The following continues an entry in ClinVar:

NM_001083614.2(EARS2):c.328G>A (p.Gly110Ser)

Gene: EARS2. ClinVar aggregate classification (germline): Conflicting classifications of pathogenicity. Pathogenic (8); Likely pathogenic (8); Uncertain significance (1).

Submissions 13 to 18 of 18:

Fulgent Genetics
Classification: Likely pathogenic for Leukoencephalopathy-thalamus and brainstem anomalies-high lactate syndrome. Last evaluated: 2022-04-13. Review status: criteria provided, single submitter. Criteria: ACMG Guidelines, 2015. Collection method: clinical testing. Allele origin: unknown.

Ambry Genetics
Classification: Pathogenic for Inborn genetic diseases. Last evaluated: 2021-06-25. Review status: criteria provided, single submitter. Criteria: Ambry Variant Classification Scheme 2023. Collection method: clinical testing. Allele origin: germline.
Comment: The c.328G>A (p.G110S) alteration is located in exon 3 (coding exon 3) of the EARS2 gene. This alteration results from a G to A substitution at nucleotide position 328, causing the glycine (G) at amino acid position 110 to be replaced by a serine (S). Based on data from the Genome Aggregation Database (gnomAD), the EARS2 c.328G>A alteration was observed in 0.03% (69/265858) of total alleles studied, with a frequency of 0.05% (61/121100) in the European (non-Finnish) subpopulation. This alteration was previously reported in the compound heterozygous state with a second pathogenic EARS2 alteration in multiple patients with clinical features of mitochondrial glutamyl-tRNA synthetase deficiency and clinical severity ranging from the less severe disease course of developmental delay, abnormal brain MRI, childhood onset spasticity and seizures to a more severe disease course of fatal neonatal lactic acidosis (Steenweg, 2012; Danhauser, 2016; Prasun, 2019). The p.G110 amino acid is completely conserved in available vertebrate species. Functional studies in patient-derived skin fibroblasts have demonstrated decreased EARS2 protein levels and evidence of mitochondrial dysfunction including increased reactive oxygen species production and increased mitochondrial mass (Danhauser, 2016). Based on the available evidence, this alteration is classified as pathogenic.

Illumina Laboratory Services, Illumina
Classification: Likely pathogenic for Leukoencephalopathy-thalamus and brainstem anomalies-high lactate syndrome. Last evaluated: 2018-12-17. Review status: criteria provided, single submitter. Criteria: ICSL Variant Classification Criteria 09 May 2019. Collection method: clinical testing. Allele origin: germline.
Comment: The EARS2 c.328G>A (p.Gly110Ser) variant has been reported in two studies and is found in a total of three probands in a compound heterozygous state (Steenweg et al. 2012; Danhauser et al. 2016). Control data are unavailable for this variant, which is reported at a frequency of 0.00061 in the European (non-Finnish) population of the Exome Aggregation Consortium. Analysis of proband fibroblasts revealed lower EARS2 protein levels and higher mitochondrial ROS when compared to control fibroblasts. Based on the collective evidence, the p.Gly110Ser variant is classified as likely pathogenic for combined oxidative phosphorylation deficiency. This variant was observed by ICSL as part of a predisposition screen in an ostensibly healthy population.

Institute of Human Genetics Munich, TUM University Hospital
Classification: Pathogenic for Leukoencephalopathy-thalamus and brainstem anomalies-high lactate syndrome. Last evaluated: 2017-12-09. Review status: criteria provided, single submitter. Criteria: Classification criteria August 2017. Collection method: clinical testing. Allele origin: germline. Inheritance: Autosomal recessive inheritance. Affected: yes. Observed: 1 compound heterozygote.

Neuberg Centre For Genomic Medicine, NCGM
Classification: Pathogenic for Leukoencephalopathy-thalamus and brainstem anomalies-high lactate syndrome. Review status: criteria provided, single submitter. Criteria: ACMG Guidelines, 2015. Collection method: clinical testing. Allele origin: germline. Inheritance: Autosomal recessive inheritance. Affected: yes.
Comment: The missense variant p.G110S in EARS2 (NM_001083614.2) has been reported previously in association with infantileonset mitochondrial encephalopathy when present in trans with another disease-causing variant in the EARS2 gene (Steenweg et al., 2012; Danhauser et al., 2016). Studies on patient-derived skin fibroblasts showed severely decreased EARS2 protein levels, elevated reactive oxygen species production, and altered mitochondrial morphology (Danhauser et al., 2016). This variant was found in ClinVar with a classification of Pathogenic/Likely Pathogenic. There is a small physicochemical difference between glycine and serine, which is not likely to impact secondary protein structure as these residues share similar properties. The p.G110S missense variant is predicted to be damaging by both SIFT and PolyPhen2. The glycine residue at codon 110 of EARS2 is conserved in all mammalian species. The nucleotide c.328 in EARS2 is predicted conserved by GERP++ and PhyloP across 100 vertebrates. For these reasons, this variant has been classified as Pathogenic.

OMIM
Classification: Pathogenic for COMBINED OXIDATIVE PHOSPHORYLATION DEFICIENCY 12. Last evaluated: 2012-05-01. Review status: no assertion criteria provided. Collection method: literature only. Allele origin: germline. Not counted in ClinVar's aggregate classification.

Literature cited by the submitters: PubMed 22492562 (cited by 8 submitters); PubMed 26780086 (cited by 7 submitters); PubMed 28748214 (cited by 4 submitters); PubMed 31520968 (cited by 5 submitters); PubMed 34018027 (cited by Variantyx, Inc. and Mayo Clinic Laboratories, Mayo Clinic); PubMed 39173847 (cited by Rady Children's Institute for Genomic Medicine, Rady Children's Hospital San Diego); PubMed 32887222 (cited by Rady Children's Institute for Genomic Medicine, Rady Children's Hospital San Diego); PubMed 25476837 (cited by Mayo Clinic Laboratories, Mayo Clinic); PubMed 31980526 (cited by Mayo Clinic Laboratories, Mayo Clinic); PubMed 33128823 (cited by Mayo Clinic Laboratories, Mayo Clinic and Women's Health and Genetics/Laboratory Corporation of America, LabCorp); PubMed 33962821 (cited by Mayo Clinic Laboratories, Mayo Clinic).